The following is an entry in ClinVar:

ClinVar aggregate classification (germline): Likely pathogenic (1 of 4 stars; one submission).

Conditions:
Spastic paraplegia 18b, autosomal recessive (SPG18B). Also called: INTELLECTUAL DISABILITY, MOTOR DYSFUNCTION, AND JOINT CONTRACTURES. Identifiers: MedGen CN380649, MONDO:0700309, OMIM 611225.

Submission:

Genetic Foundation of Khorasan Razavi (GFKR)
Classification: Likely pathogenic for Spastic paraplegia 18b, autosomal recessive. Last evaluated: 2023-04-27. Review status: criteria provided, single submitter. Criteria: ACMG Guidelines, 2015. Collection method: clinical testing. Allele origin: inherited. Inheritance: Autosomal recessive inheritance. Affected: yes. Observed: 1 homozygote.
Comment: This variant is predicted to cause exon skipping, which results in a frameshift and likely leads to a truncated or nonfunctional protein. The affected region is critical for protein function, and loss of function is a well-established disease mechanism for this gene. The variant is absent from large population databases, supporting its rarity. These findings, together with segregation analysis, provide strong evidence for a likely pathogenic classification according to ACMG/AMP guidelines

NM_007175.8(ERLIN2):c.819+2T>C

Gene: ERLIN2 (ER lipid raft associated 2; plus strand). Cytogenetic location: 8p11.23.
Variant type: single nucleotide variant.
Coding change: c.819+2T>C on transcript NM_007175.8 (MANE Select); the canonical splice donor site of the intron after coding-DNA position 819, T replaced by C.
Molecular consequence: splice donor variant.
Genome position (GRCh38, 1-based): chr8:37,753,531, T>C. VCF-style: chr8-37753531-T-C. GRCh37 (hg19) VCF-style: chr8-37611049-T-C.
Other names: c.819+2T>C (NM_001362878.2).
Identifiers: ClinVar variation 4537456 (VCV004537456.1).
Genomic context (GRCh38, chr8:37,753,531, plus strand): 5'-AGAAGGCAAAGGCAGATGCTGAGTGCTACACTGCTATGAAAATAGCCGAAGCCAATAAGG[T>C]AAAGACCCCGCACAGCCTGATAAAAAGGAGTCTTTGGGTCTGGGTCTGTATTGCAGGAGA-3'